The following is an entry in ClinVar:

ClinVar aggregate classification (germline): Likely benign (1 of 4 stars; one submission).

Submission:

CeGaT Center for Human Genetics Tuebingen
Classification: Likely benign. Last evaluated: 2025-07-01. Review status: criteria provided, single submitter. Criteria: CeGaT Center For Human Genetics Tuebingen Variant Classification Criteria Version 2. Collection method: clinical testing. Allele origin: germline. Affected: yes. Observed: 1 variant allele.
Comment: DHPS: PM2:Supporting, BP4, BP7

NM_001930.4(DHPS):c.783G>A (p.Glu261=)

Gene: DHPS (deoxyhypusine synthase; minus strand). Cytogenetic location: 19p13.13.
Variant type: single nucleotide variant.
Coding change: c.783G>A on transcript NM_001930.4 (MANE Select); coding-DNA position 783, G replaced by A.
Protein change: p.Glu261=; no amino-acid change (glutamic acid 261 retained).
Molecular consequence: synonymous variant. On other transcripts: non-coding transcript variant (4).
Genome position (GRCh38, 1-based): chr19:12,677,292, C>T on the plus strand (G>A on the coding strand, the complement: DHPS is on the minus strand). VCF-style: chr19-12677292-C-T. GRCh37 (hg19) VCF-style: chr19-12788106-C-T.
Other names: c.657G>A, p.Glu219= (NM_001206974.2); c.783G>A, p.Glu261= (NM_001369691.1, NM_001369692.1, NM_013406.3); c.234G>A, p.Glu78= (NM_001369693.1).
Identifiers: ClinVar variation 4085620 (VCV004085620.8).